The following is an entry in ClinVar:

NM_004484.4(GPC3):c.1087C>T (p.Pro363Ser)

Gene: GPC3 (glypican 3; minus strand). Cytogenetic location: Xq26.2.
Variant type: single nucleotide variant.
Coding change: c.1087C>T on transcript NM_004484.4 (MANE Select); coding-DNA position 1087, C replaced by T.
Protein change: p.Pro363Ser; replaces proline 363 with serine.
Molecular consequence: missense variant.
Genome position (GRCh38, 1-based): chrX:133,699,974, G>A on the plus strand (C>T on the coding strand, the complement: GPC3 is on the minus strand). VCF-style: chrX-133699974-G-A. GRCh37 (hg19) VCF-style: chrX-132834002-G-A.
Other names: c.1156C>T, p.Pro386Ser (NM_001164617.2); c.1039C>T, p.Pro347Ser (NM_001164618.2); c.925C>T, p.Pro309Ser (NM_001164619.2); short protein forms P363S, P309S, P347S, P386S.
Identifiers: ClinVar variation 543098 (VCV000543098.11), dbSNP rs922588870, ClinGen allele CA414699874.

ClinVar aggregate classification (germline): Uncertain significance (1 of 4 stars; one submission).

Conditions:
Wilms tumor 1 (WT1). Also called: Wilms tumor, somatic. Identifiers: Orphanet 654, MedGen CN033288, MONDO:0008679, OMIM 194070.

Allele frequency attached by ClinVar (database versions not stated): gnomAD exomes 0.00001 and below 0.00001.
gnomAD v4.1: 1 of 1,189,826 alleles (0.000084%); highest among the groups gnomAD compares: Non-Finnish European, 0.00011%; no homozygotes.

Submission:

Labcorp Genetics (formerly Invitae), Labcorp
Classification: Uncertain significance for Wilms tumor 1. Last evaluated: 2023-08-27. Review status: criteria provided, single submitter. Criteria: Invitae Variant Classification Sherloc (09022015). Collection method: clinical testing. Allele origin: germline.
Comment: This sequence change replaces proline, which is neutral and non-polar, with serine, which is neutral and polar, at codon 363 of the GPC3 protein (p.Pro363Ser). This variant is not present in population databases (gnomAD no frequency). This variant has not been reported in the literature in individuals affected with GPC3-related conditions. ClinVar contains an entry for this variant (Variation ID: 543098). Advanced modeling of protein sequence and biophysical properties (such as structural, functional, and spatial information, amino acid conservation, physicochemical variation, residue mobility, and thermodynamic stability) performed at Invitae indicates that this missense variant is not expected to disrupt GPC3 protein function. In summary, the available evidence is currently insufficient to determine the role of this variant in disease. Therefore, it has been classified as a Variant of Uncertain Significance.